The following is an entry in ClinVar:

ClinVar aggregate classification (germline): Likely benign. Review status: criteria provided, multiple submitters, no conflicts (2 of 4 stars). 3 submissions from 3 submitters: Likely benign (3). Last evaluated 2024-05-17.

Conditions:
Familial cancer of breast. Also called: BREAST CANCER, FAMILIAL; Hereditary breast cancer; hereditary breast carcinoma. Identifiers: Orphanet 227535, MedGen C0346153, MONDO:0016419, OMIM 114480. Disease mechanism: loss of function.
Ataxia-telangiectasia syndrome (AT). Also called: Cerebello-oculocutaneous telangiectasia; Immunodeficiency with ataxia telangiectasia; AT, COMPLEMENTATION GROUP C; Ataxia-telangiectasia, complementation group D; LOUIS-BAR SYNDROME; Ataxia-telangiectasia, complementation group E. Identifiers: Orphanet 100, MedGen C0004135, MONDO:0008840, OMIM 208900.

Submissions (3):

Myriad Genetics, Inc.
Classification: Likely benign for Familial cancer of breast. Last evaluated: 2024-05-17. Review status: criteria provided, single submitter. Criteria: Myriad Autosomal Dominant, Autosomal Recessive and X-Linked Classification Criteria (2023). Collection method: clinical testing. Allele origin: unknown.
Comment: This variant is considered likely benign. This variant is intronic and is not expected to impact mRNA splicing.

Labcorp Genetics (formerly Invitae), Labcorp
Classification: Likely benign for Ataxia-telangiectasia syndrome. Last evaluated: 2023-09-08. Review status: criteria provided, single submitter. Criteria: Invitae Variant Classification Sherloc (09022015). Collection method: clinical testing. Allele origin: germline.

GeneDx
Classification: Likely benign. Last evaluated: 2017-10-05. Review status: criteria provided, single submitter. Criteria: GeneDx Variant Classification (06012015). Collection method: clinical testing. Allele origin: germline. Affected: yes.
Comment: This variant is considered likely benign or benign based on one or more of the following criteria: it is a conservative change, it occurs at a poorly conserved position in the protein, it is predicted to be benign by multiple in silico algorithms, and/or has population frequency not consistent with disease.

NM_000051.4(ATM):c.4436+7A>G

Gene: ATM (ATM serine/threonine kinase; plus strand). Cytogenetic location: 11q22.3.
Variant type: single nucleotide variant.
Coding change: c.4436+7A>G on transcript NM_000051.4 (MANE Select); 7 bases into the intron after coding-DNA position 4436, A replaced by G.
Molecular consequence: intron variant.
Genome position (GRCh38, 1-based): chr11:108,289,808, A>G. VCF-style: chr11-108289808-A-G. GRCh37 (hg19) VCF-style: chr11-108160535-A-G.
Other names: c.4436+7A>G (NM_001351834.2).
Identifiers: ClinVar variation 512444 (VCV000512444.6), dbSNP rs749971237, ClinGen allele CA658795365.
Genomic context (GRCh38, chr11:108,289,808, plus strand): 5'-GGCCTTTGTTCTTCGAGACGTTATTTATACTTTGATTCACTATATCAACCAAAGGTAAAT[A>G]ACATATTTAGACCAATATATAAGCAGTCTTTCTATCCTGTTCTTCCTGTTTTTTTGCTTT-3'